The following is an entry in ClinVar:

ClinVar aggregate classification (germline): Uncertain significance (1 of 4 stars; one submission).

Conditions:
SALL1-related disorder. Also called: SALL1-related condition.

gnomAD v4.1: 2 of 1,614,164 alleles (0.00012%); highest among the groups gnomAD compares: East Asian, 0.0022%; no homozygotes.

Submission:

PreventionGenetics, part of Exact Sciences
Classification: Uncertain significance for SALL1-related condition. Last evaluated: 2026-08-18. Review status: criteria provided, single submitter. Criteria: ACMG Guidelines, 2015. Collection method: clinical testing. Allele origin: germline.
Comment: The SALL1 c.3321C>A variant is predicted to result in the amino acid substitution p.His1107Gln. To our knowledge, this variant has not been reported in the literature or in a large population database (gnomAD), indicating this variant is rare. At this time, the clinical significance of this variant is uncertain due to the absence of conclusive functional and genetic evidence.

NM_002968.3(SALL1):c.3321C>A (p.His1107Gln)

Gene: SALL1 (spalt like transcription factor 1; minus strand). Cytogenetic location: 16q12.1.
Variant type: single nucleotide variant.
Coding change: c.3321C>A on transcript NM_002968.3 (MANE Select); coding-DNA position 3321, C replaced by A.
Protein change: p.His1107Gln; replaces histidine 1107 with glutamine.
Molecular consequence: missense variant.
Genome position (GRCh38, 1-based): chr16:51,138,901, G>T on the plus strand (C>A on the coding strand, the complement: SALL1 is on the minus strand). VCF-style: chr16-51138901-G-T. GRCh37 (hg19) VCF-style: chr16-51172812-G-T.
Other names: c.3030C>A, p.His1010Gln (NM_001127892.2); short protein forms H1107Q, H1010Q.
Identifiers: ClinVar variation 4991291 (VCV004991291.1).